The following is an entry in ClinVar:

NM_002693.3(POLG):c.2583C>T (p.Thr861=)

Gene: POLG (DNA polymerase gamma, catalytic subunit; minus strand). Cytogenetic location: 15q26.1.
Variant type: single nucleotide variant.
Coding change: c.2583C>T on transcript NM_002693.3 (MANE Select); coding-DNA position 2583, C replaced by T.
Protein change: p.Thr861=; no amino-acid change (threonine 861 retained).
Molecular consequence: synonymous variant.
Genome position (GRCh38, 1-based): chr15:89,321,751, G>A on the plus strand (C>T on the coding strand, the complement: POLG is on the minus strand). VCF-style: chr15-89321751-G-A. GRCh37 (hg19) VCF-style: chr15-89864982-G-A.
Other names: c.2583C>T, p.Thr861= (NM_001126131.2).
Identifiers: ClinVar variation 696224 (VCV000696224.38), dbSNP rs372456693, ClinGen allele CA7724421.

ClinVar aggregate classification (germline): Likely benign. Review status: criteria provided, multiple submitters, no conflicts (2 of 4 stars). 3 submissions from 3 submitters: Likely benign (2). 1 of the submissions does not count toward it. Last evaluated 2026-01-14.

Conditions:
POLG-related disorder. Also called: POLG-related condition; POLG-Related Disorders; POLG-Related Spectrum Disorders. Identifiers: MedGen C4763519.
Progressive sclerosing poliodystrophy (MTDPS4A). Also called: ALPERS DIFFUSE DEGENERATION OF CEREBRAL GRAY MATTER WITH HEPATIC CIRRHOSIS; Mitochondrial DNA Depletion Syndrome 4A; Alpers Syndrome; Alpers-Huttenlocher Syndrome; NEURONAL DEGENERATION OF CHILDHOOD WITH LIVER DISEASE, PROGRESSIVE; Mitochondrial DNA depletion syndrome 4A (Alpers type). Identifiers: Orphanet 726, MedGen C0205710, MONDO:0008758, OMIM 203700.

Allele frequency attached by ClinVar (database versions not stated): ExAC 0.00001; gnomAD exomes 0.00002; gnomAD 0.00003 and 0.00005; TOPMed 0.00003; ESP Exome Variant Server 0.00008; 1000 Genomes Project 30x 0.00016; 1000 Genomes Project 0.00020.

Submissions (3):

Labcorp Genetics (formerly Invitae), Labcorp
Classification: Likely benign for Progressive sclerosing poliodystrophy. Last evaluated: 2026-01-14. Review status: criteria provided, single submitter. Criteria: Invitae Variant Classification Sherloc (09022015). Collection method: clinical testing. Allele origin: germline.

CeGaT Center for Human Genetics Tuebingen
Classification: Likely benign. Last evaluated: 2022-05-01. Review status: criteria provided, single submitter. Criteria: CeGaT Center For Human Genetics Tuebingen Variant Classification Criteria Version 2. Collection method: clinical testing. Allele origin: germline. Affected: yes. Observed: 1 variant allele.
Comment: POLG: BP4, BP7

PreventionGenetics, part of Exact Sciences
Classification: Likely benign for POLG-related condition. Last evaluated: 2021-10-18. Review status: no assertion criteria provided. Collection method: clinical testing. Allele origin: germline. Not counted in ClinVar's aggregate classification.
Comment: This variant is classified as likely benign based on ACMG/AMP sequence variant interpretation guidelines (Richards et al. 2015 PMID: 25741868, with internal and published modifications).